The following is an entry in ClinVar:

ClinVar aggregate classification (germline): Uncertain significance (1 of 4 stars; one submission).

Submission:

Labcorp Genetics (formerly Invitae), Labcorp
Classification: Uncertain significance. Last evaluated: 2021-12-27. Review status: criteria provided, single submitter. Criteria: Invitae Variant Classification Sherloc (09022015). Collection method: clinical testing. Allele origin: germline.
Comment: This sequence change replaces serine, which is neutral and polar, with proline, which is neutral and non-polar, at codon 2276 of the PCLO protein (p.Ser2276Pro). This variant is not present in population databases (gnomAD no frequency). This variant has not been reported in the literature in individuals affected with PCLO-related conditions. Algorithms developed to predict the effect of missense changes on protein structure and function output the following: SIFT: "Tolerated"; PolyPhen-2: "Not Available"; Align-GVGD: "Class C0". The proline amino acid residue is found in multiple mammalian species, which suggests that this missense change does not adversely affect protein function. In summary, the available evidence is currently insufficient to determine the role of this variant in disease. Therefore, it has been classified as a Variant of Uncertain Significance.

NM_033026.6(PCLO):c.6826T>C (p.Ser2276Pro)

Gene: PCLO (piccolo presynaptic cytomatrix protein; minus strand). Cytogenetic location: 7q21.11.
Variant type: single nucleotide variant.
Coding change: c.6826T>C on transcript NM_033026.6 (MANE Select); coding-DNA position 6826, T replaced by C.
Protein change: p.Ser2276Pro; replaces serine 2276 with proline.
Molecular consequence: missense variant.
Genome position (GRCh38, 1-based): chr7:82,954,127, A>G on the plus strand (T>C on the coding strand, the complement: PCLO is on the minus strand). VCF-style: chr7-82954127-A-G. GRCh37 (hg19) VCF-style: chr7-82583443-A-G.
Other names: c.6826T>C, p.Ser2276Pro (NM_014510.3); short protein forms S2276P.
Identifiers: ClinVar variation 2063194 (VCV002063194.4), dbSNP rs2535700148, ClinGen allele CA367918268.